The following is an entry in ClinVar:

ClinVar aggregate classification (germline): Pathogenic (1 of 4 stars; one submission).

Submission:

CeGaT Center for Human Genetics Tuebingen
Classification: Pathogenic. Last evaluated: 2024-01-01. Review status: criteria provided, single submitter. Criteria: CeGaT Center For Human Genetics Tuebingen Variant Classification Criteria Version 2. Collection method: clinical testing. Allele origin: germline. Affected: yes. Observed: 1 variant allele.
Comment: SETD1B: PVS1, PM2

NM_001353345.2(SETD1B):c.3961dup (p.Leu1321fs)

Gene: SETD1B (SET domain containing 1B, histone lysine methyltransferase; plus strand). Cytogenetic location: 12q24.31.
Variant type: Duplication.
Coding change: c.3961dup on transcript NM_001353345.2 (MANE Select); coding-DNA position 3961, one base duplicated (C; older notation c.3961dupC).
Protein change: p.Leu1321fs; shifts the reading frame from leucine 1321.
Molecular consequence: frameshift variant.
Genome position (GRCh38, 1-based): chr12:121,822,540, C duplicated. VCF-style (leftmost placement, unchanged base first): chr12-121822539-G-GC. GRCh37 (hg19) VCF-style: chr12-122260445-G-GC.
Other names: short protein forms L1321fs.
Identifiers: ClinVar variation 3027140 (VCV003027140.22), dbSNP rs2500231765, ClinGen allele CA2740097583.